The following is an entry in ClinVar:

ClinVar aggregate classification (germline): Uncertain significance. Review status: criteria provided, multiple submitters, no conflicts (2 of 4 stars). 2 submissions from 2 submitters: Uncertain significance (2). Last evaluated 2023-12-15.

Conditions:
Inborn genetic diseases. Identifiers: MedGen C0950123, MeSH D030342.
Propionic acidemia (PROP). Also called: GLYCINEMIA, KETOTIC; HYPERGLYCINEMIA WITH KETOACIDOSIS AND LEUKOPENIA; KETOTIC HYPERGLYCINEMIA. Identifiers: Orphanet 35, MedGen C0268579, MONDO:0011628, OMIM 606054, HP:0003571.

Submissions (2):

Ambry Genetics
Classification: Uncertain significance for Inborn genetic diseases. Last evaluated: 2023-12-15. Review status: criteria provided, single submitter. Criteria: Ambry Variant Classification Scheme 2023. Collection method: clinical testing. Allele origin: germline.

Labcorp Genetics (formerly Invitae), Labcorp
Classification: Uncertain significance for Propionic acidemia. Last evaluated: 2023-10-18. Review status: criteria provided, single submitter. Criteria: Invitae Variant Classification Sherloc (09022015). Collection method: clinical testing. Allele origin: germline.
Comment: This sequence change replaces valine, which is neutral and non-polar, with isoleucine, which is neutral and non-polar, at codon 112 of the PCCA protein (p.Val112Ile). This variant is not present in population databases (gnomAD no frequency). This variant has not been reported in the literature in individuals affected with PCCA-related conditions. Advanced modeling of protein sequence and biophysical properties (such as structural, functional, and spatial information, amino acid conservation, physicochemical variation, residue mobility, and thermodynamic stability) has been performed at Invitae for this missense variant, however the output from this modeling did not meet the statistical confidence thresholds required to predict the impact of this variant on PCCA protein function. In summary, the available evidence is currently insufficient to determine the role of this variant in disease. Therefore, it has been classified as a Variant of Uncertain Significance.

NM_000282.4(PCCA):c.334G>A (p.Val112Ile)

Gene: PCCA (propionyl-CoA carboxylase subunit alpha; plus strand). Cytogenetic location: 13q32.3.
Variant type: single nucleotide variant.
Coding change: c.334G>A on transcript NM_000282.4 (MANE Select); coding-DNA position 334, G replaced by A.
Protein change: p.Val112Ile; replaces valine 112 with isoleucine.
Molecular consequence: missense variant. On other transcripts: 5 prime UTR variant (3), non-coding transcript variant (5).
Genome position (GRCh38, 1-based): chr13:100,155,012, G>A. VCF-style: chr13-100155012-G-A. GRCh37 (hg19) VCF-style: chr13-100807266-G-A.
Other names: c.256G>A, p.Val86Ile (NM_001127692.3, NM_001352607.2, NM_001352608.2); c.334G>A, p.Val112Ile (NM_001178004.2, NM_001352605.2, NM_001352606.2 and 1 more transcripts); c.-533G>A (NM_001352610.2, NM_001352611.2, NM_001352612.2); c.334G>A (NM_000282.3); short protein forms V86I, V112I.
Identifiers: ClinVar variation 2974357 (VCV002974357.2), dbSNP rs2542866123, ClinGen allele CA388693623.